The following is an entry in ClinVar:

NM_001017995.3(SH3PXD2B):c.967G>A (p.Gly323Arg)

Gene: SH3PXD2B (SH3 and PX domains 2B; minus strand). Cytogenetic location: 5q35.1.
Variant type: single nucleotide variant.
Coding change: c.967G>A on transcript NM_001017995.3 (MANE Select); coding-DNA position 967, G replaced by A.
Protein change: p.Gly323Arg; replaces glycine 323 with arginine.
Molecular consequence: missense variant.
Genome position (GRCh38, 1-based): chr5:172,350,408, C>T on the plus strand (G>A on the coding strand, the complement: SH3PXD2B is on the minus strand). VCF-style: chr5-172350408-C-T. GRCh37 (hg19) VCF-style: chr5-171777412-C-T.
Other names: c.967G>A, p.Gly323Arg (NM_001308175.2); c.967G>A (NM_001017995.2); short protein forms G323R.
Identifiers: ClinVar variation 1003371 (VCV001003371.10), dbSNP rs111492578, ClinGen allele CA3561372.

ClinVar aggregate classification (germline): Uncertain significance. Review status: criteria provided, multiple submitters, no conflicts (2 of 4 stars). 2 submissions from 2 submitters: Uncertain significance (2). Last evaluated 2025-11-17.

Conditions:
Inborn genetic diseases. Identifiers: MedGen C0950123, MeSH D030342.

Allele frequency attached by ClinVar (database versions not stated): ExAC 0.00002; TOPMed 0.00003; gnomAD 0.00004; gnomAD exomes 0.00004; ESP Exome Variant Server 0.00008; 1000 Genomes Project 30x 0.00016; 1000 Genomes Project 0.00020.
gnomAD v4.1: 76 of 1,613,966 alleles (0.0047%); highest among the groups gnomAD compares: Non-Finnish European, 0.0056%; no homozygotes.

Submissions (2):

Labcorp Genetics (formerly Invitae), Labcorp
Classification: Uncertain significance. Last evaluated: 2025-11-17. Review status: criteria provided, single submitter. Criteria: Invitae Variant Classification Sherloc (09022015). Collection method: clinical testing. Allele origin: germline.
Comment: This sequence change replaces glycine, which is neutral and non-polar, with arginine, which is basic and polar, at codon 323 of the SH3PXD2B protein (p.Gly323Arg). This variant is present in population databases (rs111492578, gnomAD 0.006%). This variant has not been reported in the literature in individuals affected with SH3PXD2B-related conditions. ClinVar contains an entry for this variant (Variation ID: 1003371). An algorithm developed to predict the effect of missense changes on protein structure and function (PolyPhen-2) suggests that this variant is likely to be tolerated. In summary, the available evidence is currently insufficient to determine the role of this variant in disease. Therefore, it has been classified as a Variant of Uncertain Significance.

Ambry Genetics
Classification: Uncertain significance for Inborn genetic diseases. Last evaluated: 2021-11-15. Review status: criteria provided, single submitter. Criteria: Ambry Variant Classification Scheme 2023. Collection method: clinical testing. Allele origin: germline.